The following is an entry in ClinVar:

ClinVar aggregate classification (germline): Pathogenic (1 of 4 stars; one submission).

Conditions:
Cardiovascular phenotype. Identifiers: MedGen CN230736.

Submission:

Ambry Genetics
Classification: Pathogenic for Cardiovascular phenotype. Last evaluated: 2016-07-14. Review status: criteria provided, single submitter. Criteria: Ambry Variant Classification Scheme 2023. Collection method: clinical testing. Allele origin: germline.
Comment: The c.2604_2605insA pathogenic mutation, located in coding exon 26 of the MYBPC3 gene, results from an insertion of one nucleotide at position 2604, causing a translational frameshift with a predicted alternate stop codon (p.P869Tfs*15). This alteration is expected to result in loss of function by premature protein truncation or nonsense-mediated mRNA decay. As such, this alteration is interpreted as a disease-causing mutation.

NM_000256.3(MYBPC3):c.2604_2605insA (p.Pro869fs)

Gene: MYBPC3 (myosin binding protein C3; minus strand). Cytogenetic location: 11p11.2.
Variant type: Insertion.
Coding change: c.2604_2605insA on transcript NM_000256.3 (MANE Select); coding-DNA positions 2604 to 2605, A inserted.
Protein change: p.Pro869fs; shifts the reading frame from proline 869.
Molecular consequence: frameshift variant.
Genome position: GRCh38 VCF-style: chr11-47336009-G-GT. GRCh37 (hg19) VCF-style: chr11-47357560-G-GT.
Other names: c.2604_2605insA, p.Pro869fs (LRG_386t1); short protein forms P869fs.
Identifiers: ClinVar variation 520284 (VCV000520284.5), dbSNP rs1555120956, ClinGen allele CA658797622.